The following is an entry in ClinVar:

ClinVar aggregate classification (germline): Pathogenic (1 of 4 stars; one submission).

Submission:

Quest Diagnostics Nichols Institute San Juan Capistrano
Classification: Pathogenic. Last evaluated: 2022-07-09. Review status: criteria provided, single submitter. Criteria: ACMG/ClinGen CNV Guidelines, 2019. Collection method: clinical testing. Allele origin: unknown.
Comment: The copy number loss of 2p16.3 includes several exons from the 5' region of the NRXN1 gene (OMIM 600565). Heterozygous exonic deletions of NRXN1 are associated with a wide spectrum of neurodevelopmental and neuropsychiatric disorders. See review in Fuccillo and Pak 2021; Castronovo 2020; Cosemans 2020. Deletions of the 5' region of NRXN1 are enriched in patients with neurodevelopmental disorders versus controls (Lowther 2017). However, there is evidence for reduced penetrance (Cosemans 2020, Lowther 2017; Al Shehhi 2019). The current deletion overlaps losses reported in the general populations in the Database of Genomic Variants. Thus, this copy number variant is interpreted as pathogenic with incomplete penetrance and variable expressivity. References: Fuccillo and Pak. Curr Opin Genet Dev 2021 Jun;68:64-70 PMID:33756113 Castronovo et al. Clin Genet 2020 97:125137 PMID:30873608 Cosem ans et al. J Med Genet 2020 May;57(5):347-355 PMID:31932357 Lowther et al. Genet Med. 2017 Jan;19(1):53-61. PMID: 27195815 Al Shehhi et al. Eur J Med Genet 2019 Mar;62(3):204-209 PMID:30031152

GRCh37/hg19 2p16.3(chr2:51078336-51512609)x1

Gene: NRXN1 (neurexin 1; minus strand). Cytogenetic location: 2p16.3.
Variant type: copy number loss.
Change: copy number 1 (one copy instead of two) of chr2:51,078,336-51,512,609 (434.3 kb, GRCh37 coordinates, 1-based), cytogenetic band 2p16.3.
Identifiers: ClinVar variation 2684542 (VCV002684542.1).